The following is an entry in ClinVar:

ClinVar aggregate classification (germline): Uncertain significance. Review status: criteria provided, multiple submitters, no conflicts (2 of 4 stars). 2 submissions from 2 submitters: Uncertain significance (2). Last evaluated 2024-12-04.

Allele frequency attached by ClinVar (database versions not stated): TOPMed 0.00002; gnomAD 0.00003.
gnomAD v4.1: 13 of 1,610,052 alleles (0.00081%); highest among the groups gnomAD compares: Admixed American, 0.0034%; no homozygotes.

Submissions (2):

Ambry Genetics
Classification: Uncertain significance. Last evaluated: 2024-12-04. Review status: criteria provided, single submitter. Criteria: Ambry Variant Classification Scheme 2023. Collection method: clinical testing. Allele origin: germline.

Labcorp Genetics (formerly Invitae), Labcorp
Classification: Uncertain significance. Last evaluated: 2022-02-08. Review status: criteria provided, single submitter. Criteria: Invitae Variant Classification Sherloc (09022015). Collection method: clinical testing. Allele origin: germline.
Comment: In summary, the available evidence is currently insufficient to determine the role of this variant in disease. Therefore, it has been classified as a Variant of Uncertain Significance. Algorithms developed to predict the effect of missense changes on protein structure and function (SIFT, PolyPhen-2, Align-GVGD) all suggest that this variant is likely to be tolerated. This variant has not been reported in the literature in individuals affected with CEP89-related conditions. This variant is present in population databases (no rsID available, gnomAD 0.0009%). This sequence change replaces alanine, which is neutral and non-polar, with aspartic acid, which is acidic and polar, at codon 780 of the CEP89 protein (p.Ala780Asp).

NM_032816.5(CEP89):c.2339C>A (p.Ala780Asp)

Gene: CEP89 (centrosomal protein 89; minus strand). Cytogenetic location: 19q13.11.
Variant type: single nucleotide variant.
Coding change: c.2339C>A on transcript NM_032816.5 (MANE Select); coding-DNA position 2339, C replaced by A.
Protein change: p.Ala780Asp; replaces alanine 780 with aspartic acid.
Molecular consequence: missense variant.
Genome position (GRCh38, 1-based): chr19:32,879,175, G>T on the plus strand (C>A on the coding strand, the complement: CEP89 is on the minus strand). VCF-style: chr19-32879175-G-T. GRCh37 (hg19) VCF-style: chr19-33370081-G-T.
Other names: c.2339C>A (NM_032816.3); short protein forms A780D.
Identifiers: ClinVar variation 1943688 (VCV001943688.6), dbSNP rs1213456682, ClinGen allele CA405207212.